The following is an entry in ClinVar:

NM_000432.4(MYL2):c.376C>T (p.Gln126Ter)

Gene: MYL2 (myosin light chain 2; minus strand). Cytogenetic location: 12q24.11.
Variant type: single nucleotide variant.
Coding change: c.376C>T on transcript NM_000432.4 (MANE Select); coding-DNA position 376, C replaced by T.
Protein change: p.Gln126Ter; replaces glutamine 126 with a stop codon.
Molecular consequence: nonsense.
Genome position (GRCh38, 1-based): chr12:110,913,122, G>A on the plus strand (C>T on the coding strand, the complement: MYL2 is on the minus strand). VCF-style: chr12-110913122-G-A. GRCh37 (hg19) VCF-style: chr12-111350926-G-A.
Other names: short protein forms Q126*.
Identifiers: ClinVar variation 1297593 (VCV001297593.5), dbSNP rs1064796377, ClinGen allele CA386697747.

ClinVar aggregate classification (germline): Conflicting classifications of pathogenicity. Review status: criteria provided, conflicting classifications (1 of 4 stars). 4 submissions from 4 submitters: Likely pathogenic (1); Uncertain significance (1). 2 of the submissions do not count toward it. Last evaluated 2023-07-10.

Conditions:
Hypertrophic cardiomyopathy 10. Also called: CARDIOMYOPATHY, HYPERTROPHIC, MID-LEFT VENTRICULAR CHAMBER TYPE, 2; MYL2-Related Familial Hypertrophic Cardiomyopathy. Identifiers: MedGen C1834460, MONDO:0012112, OMIM 608758.
Myopathy, myofibrillar, 12, infantile-onset, with cardiomyopathy. Identifiers: MedGen C5561937, MONDO:0859168, OMIM 619424.
Hypertrophic cardiomyopathy. Also called: HYPERTROPHIC MYOCARDIOPATHY. Identifiers: Orphanet 217569, MedGen C0007194, MeSH D002312, MONDO:0005045, HP:0001639.

Submissions (4):

All of Us Research Program, National Institutes of Health
Classification: Uncertain significance for Hypertrophic cardiomyopathy. Last evaluated: 2023-07-10. Review status: criteria provided, single submitter. Criteria: ACMG Guidelines, 2015. Collection method: clinical testing. Allele origin: germline. Inheritance: Autosomal dominant inheritance. Observed: 1 variant allele, 1 heterozygote.
Comment: This variant changes 1 nucleotide in exon 6 of the MYL2 gene, creating a premature translation stop signal. This variant is expected to result in an absent or non-functional protein product. This variant has been reported in homozygosity in one individual affected with cardiomyopathy (PMID: 29988065). This variant has not been identified in the general population by the Genome Aggregation Database (gnomAD). Clinical relevance of loss-of-function MYL2 truncation variants in autosomal dominant cardiovascular disorders is not clearly established. The available evidence is insufficient to determine the role of this variant in disease conclusively. Therefore, this variant is classified as a Variant of Uncertain Significance.

This study involves interpretation of variants in research participants for the purpose of population health screening. Participant phenotype was not available at the time of variant classification. Additional details can be found in publication PMID: 35346344, PMCID: PMC8962531

Fulgent Genetics
Classification: Likely pathogenic for Hypertrophic cardiomyopathy 10; Myopathy, myofibrillar, 12, infantile-onset, with cardiomyopathy. Last evaluated: 2021-07-12. Review status: criteria provided, single submitter. Criteria: ACMG Guidelines, 2015. Collection method: clinical testing. Allele origin: unknown.

Clinical Genetics DNA and cytogenetics Diagnostics Lab, Erasmus MC, Erasmus Medical Center
Classification: Pathogenic. Review status: no assertion criteria provided. Collection method: clinical testing. Allele origin: germline. Affected: yes. Study: VKGL Data-share Consensus. Not counted in ClinVar's aggregate classification.

Joint Genome Diagnostic Labs from Nijmegen and Maastricht, Radboudumc and MUMC+
Classification: Pathogenic. Review status: no assertion criteria provided. Collection method: clinical testing. Allele origin: germline. Affected: yes. Study: VKGL Data-share Consensus. Not counted in ClinVar's aggregate classification.

Literature cited by the submitters: PubMed 29988065 (cited by All of Us Research Program, National Institutes of Health).